The following is an entry in ClinVar:

NM_000059.4(BRCA2):c.4463A>C (p.His1488Pro)

Gene: BRCA2 (BRCA2 DNA repair associated; plus strand). Cytogenetic location: 13q13.1.
Variant type: single nucleotide variant.
Coding change: c.4463A>C on transcript NM_000059.4 (MANE Select); coding-DNA position 4463, A replaced by C.
Protein change: p.His1488Pro; replaces histidine 1488 with proline.
Molecular consequence: missense variant. On other transcripts: non-coding transcript variant (1), intron variant (2).
Genome position (GRCh38, 1-based): chr13:32,338,818, A>C. VCF-style: chr13-32338818-A-C. GRCh37 (hg19) VCF-style: chr13-32912955-A-C.
Other names: c.4463A>C, p.His1488Pro (NM_001406719.1, NM_001406720.1, NM_001432077.1); c.1909+5431A>C (NM_001406721.1); c.425-5740A>C (NM_001406722.1); short protein forms H1488P.
Identifiers: ClinVar variation 4698460 (VCV004698460.2).
Genomic context (GRCh38, chr13:32,338,818, plus strand): 5'-CTGACATAAGAAAGAACAAAATGGACATTCTAAGTTATGAGGAAACAGACATAGTTAAAC[A>C]CAAAATACTGAAAGAAAGTGTCCCAGTTGGTACTGGAAATCAACTAGTGACCTTCCAGGG-3'
Protein context (NP_000050.3, residues 1478-1498): LSYEETDIVK[His1488Pro]KILKESVPVG

ClinVar aggregate classification (germline): Conflicting classifications of pathogenicity. Review status: criteria provided, conflicting classifications (1 of 4 stars). 2 submissions from 2 submitters: Uncertain significance (1); Likely benign (1). Last evaluated 2026-05-12.

Conditions:
Hereditary breast ovarian cancer syndrome. Also called: Breast and ovarian cancer; Hereditary breast and/or ovarian cancer syndrome; BRCA1- and BRCA2-Associated Hereditary Breast and Ovarian Cancer; Hereditary breast and ovarian cancer syndrome; Hereditary breast and ovarian cancer; Hereditary breast and ovarian cancer syndrome (HBOC). Identifiers: Orphanet 145, MedGen C0677776, MeSH D061325, MONDO:0003582. Disease mechanism: loss of function.
Hereditary cancer-predisposing syndrome. Also called: Neoplastic Syndromes, Hereditary; Tumor predisposition; Hereditary Cancer Syndrome; Hereditary neoplastic syndrome. Identifiers: Orphanet 140162, MedGen C0027672, MeSH D009386, MONDO:0015356.

gnomAD v4.1: 3 of 1,613,876 alleles (0.00019%); highest among the groups gnomAD compares: Non-Finnish European, 0.00025%; no homozygotes.

Submissions (2):

Ambry Genetics
Classification: Likely benign for Hereditary cancer-predisposing syndrome. Last evaluated: 2026-05-12. Review status: criteria provided, single submitter. Criteria: Ambry Variant Classification Scheme 2023. Collection method: clinical testing. Allele origin: germline.

Labcorp Genetics (formerly Invitae), Labcorp
Classification: Uncertain significance for Hereditary breast ovarian cancer syndrome. Last evaluated: 2025-03-09. Review status: criteria provided, single submitter. Criteria: Invitae Variant Classification Sherloc (09022015). Collection method: clinical testing. Allele origin: germline.
Comment: This sequence change replaces histidine, which is basic and polar, with proline, which is neutral and non-polar, at codon 1488 of the BRCA2 protein (p.His1488Pro). This variant is not present in population databases (gnomAD no frequency). This variant has not been reported in the literature in individuals affected with BRCA2-related conditions. Invitae Evidence Modeling of protein sequence and biophysical properties (such as structural, functional, and spatial information, amino acid conservation, physicochemical variation, residue mobility, and thermodynamic stability) indicates that this missense variant is not expected to disrupt BRCA2 protein function with a negative predictive value of 95%. In summary, the available evidence is currently insufficient to determine the role of this variant in disease. Therefore, it has been classified as a Variant of Uncertain Significance.